The following is an entry in ClinVar:

ClinVar aggregate classification (germline): Uncertain significance (1 of 4 stars; one submission).

Conditions:
Luscan-Lumish syndrome. Identifiers: Orphanet 597738, MedGen C4085873, MONDO:0014791, OMIM 616831.

Allele frequency attached by ClinVar (database versions not stated): gnomAD exomes below 0.00001 and 0.00001.
gnomAD v4.1: 10 of 1,613,932 alleles (0.00062%); highest among the groups gnomAD compares: Non-Finnish European, 0.00085%; no homozygotes.

Submission:

Labcorp Genetics (formerly Invitae), Labcorp
Classification: Uncertain significance for Luscan-Lumish syndrome. Last evaluated: 2020-01-27. Review status: criteria provided, single submitter. Criteria: Invitae Variant Classification Sherloc (09022015). Collection method: clinical testing. Allele origin: germline.
Comment: This variant has not been reported in the literature in individuals with SETD2-related disease. In summary, the available evidence is currently insufficient to determine the role of this variant in disease. Therefore, it has been classified as a Variant of Uncertain Significance. Algorithms developed to predict the effect of missense changes on protein structure and function output the following: SIFT: "Tolerated"; PolyPhen-2: "Benign"; Align-GVGD: "Class C0". The phenylalanine amino acid residue is found in multiple mammalian species, suggesting that this missense change does not adversely affect protein function. These predictions have not been confirmed by published functional studies and their clinical significance is uncertain. This variant is not present in population databases (ExAC no frequency). This sequence change replaces leucine with phenylalanine at codon 883 of the SETD2 protein (p.Leu883Phe). The leucine residue is moderately conserved and there is a small physicochemical difference between leucine and phenylalanine.

NM_014159.7(SETD2):c.2647C>T (p.Leu883Phe)

Gene: SETD2 (SET domain containing 2, histone lysine methyltransferase; minus strand). Cytogenetic location: 3p21.31.
Variant type: single nucleotide variant.
Coding change: c.2647C>T on transcript NM_014159.7 (MANE Select); coding-DNA position 2647, C replaced by T.
Protein change: p.Leu883Phe; replaces leucine 883 with phenylalanine.
Molecular consequence: missense variant. On other transcripts: non-coding transcript variant (1).
Genome position (GRCh38, 1-based): chr3:47,121,989, G>A on the plus strand (C>T on the coding strand, the complement: SETD2 is on the minus strand). VCF-style: chr3-47121989-G-A. GRCh37 (hg19) VCF-style: chr3-47163479-G-A.
Other names: c.2515C>T, p.Leu839Phe (NM_001349370.3); short protein forms L883F, L839F.
Identifiers: ClinVar variation 542231 (VCV000542231.7), dbSNP rs1269748231, ClinGen allele CA352525716.
Genomic context (GRCh38, chr3:47,121,989, plus strand): 5'-TCTCTCCGCATTTCAAGAGAGTTAGACTGTCCACCTTTATTCCTGGTGGAAGACTCTGAA[G>A]AGATGAAGCAATACCTGAACTCCCAATAGGTTGATATAAATCATCAAAATGATTAACAGA-3'
Protein context (NP_054878.5, residues 873-893): PIGSSGIASS[Leu883Phe]QSLPPGIKVD